The following is an entry in ClinVar:

ClinVar aggregate classification (germline): Uncertain significance (1 of 4 stars; one submission).

Submission:

GeneDx
Classification: Uncertain significance. Last evaluated: 2023-02-17. Review status: criteria provided, single submitter. Criteria: GeneDx Variant Classification Process June 2021. Collection method: clinical testing. Allele origin: germline. Affected: yes.
Comment: Not observed at significant frequency in large population cohorts (gnomAD); In silico analysis supports that this missense variant has a deleterious effect on protein structure/function; Has not been previously published as pathogenic or benign to our knowledge

NM_181523.3(PIK3R1):c.2050C>T (p.Pro684Ser)

Gene: PIK3R1 (phosphoinositide-3-kinase regulatory subunit 1; plus strand). Cytogenetic location: 5q13.1.
Variant type: single nucleotide variant.
Coding change: c.2050C>T on transcript NM_181523.3 (MANE Select); coding-DNA position 2050, C replaced by T.
Protein change: p.Pro684Ser; replaces proline 684 with serine.
Molecular consequence: missense variant.
Genome position (GRCh38, 1-based): chr5:68,297,476, C>T. VCF-style: chr5-68297476-C-T. GRCh37 (hg19) VCF-style: chr5-67593304-C-T.
Other names: c.961C>T, p.Pro321Ser (NM_001242466.2); c.1240C>T, p.Pro414Ser (NM_181504.4); c.1150C>T, p.Pro384Ser (NM_181524.2); short protein forms P321S, P384S, P414S, P684S.
Identifiers: ClinVar variation 2576777 (VCV002576777.1), dbSNP rs2112291212, ClinGen allele CA359885442.
Genomic context (GRCh38, chr5:68,297,476, plus strand): 5'-GACGGCGAAGTAAAGCATTGTGTCATAAACAAAACAGCAACTGGCTATGGCTTTGCCGAG[C>T]CCTATAACTTGTACAGCTCTCTGAAAGAACTGGTGCTACATTACCAACACACCTCCCTTG-3'
Protein context (NP_852664.1, residues 674-694): KTATGYGFAE[Pro684Ser]YNLYSSLKEL